The following is an entry in ClinVar:

NM_000037.4(ANK1):c.3764G>A (p.Arg1255His)

Gene: ANK1 (ankyrin 1; minus strand). Cytogenetic location: 8p11.21.
Variant type: single nucleotide variant.
Coding change: c.3764G>A on transcript NM_000037.4 (MANE Select); coding-DNA position 3764, G replaced by A.
Protein change: p.Arg1255His; replaces arginine 1255 with histidine.
Molecular consequence: missense variant.
Genome position (GRCh38, 1-based): chr8:41,692,742, C>T on the plus strand (G>A on the coding strand, the complement: ANK1 is on the minus strand). VCF-style: chr8-41692742-C-T. GRCh37 (hg19) VCF-style: chr8-41550260-C-T.
Other names: p.Arg1255His; c.3887G>A, p.Arg1296His (NM_001142446.2); c.3764G>A, p.Arg1255His (NM_020475.3, NM_020476.3, NM_020477.3); short protein forms R1296H, R1255H.
Identifiers: ClinVar variation 3863539 (VCV003863539.2).

ClinVar aggregate classification (germline): Uncertain significance. Review status: criteria provided, multiple submitters, no conflicts (2 of 4 stars). 2 submissions from 2 submitters: Uncertain significance (2). Last evaluated 2025-08-28.

Conditions:
Inborn genetic diseases. Identifiers: MedGen C0950123, MeSH D030342.

gnomAD v4.1: 6 of 1,613,930 alleles (0.00037%); highest among the groups gnomAD compares: Admixed American, 0.0017%; no homozygotes.

Submissions (2):

Mayo Clinic Laboratories, Mayo Clinic
Classification: Uncertain significance. Last evaluated: 2025-08-28. Review status: criteria provided, single submitter. Criteria: ACMG Guidelines, 2015. Collection method: clinical testing. Allele origin: germline. Observed: 1 variant allele.
Comment: PM2_supporting

Ambry Genetics
Classification: Uncertain significance for Inborn genetic diseases. Last evaluated: 2025-01-20. Review status: criteria provided, single submitter. Criteria: Ambry Variant Classification Scheme 2023. Collection method: clinical testing. Allele origin: germline.